The following is an entry in ClinVar:

NM_144997.7(FLCN):c.1057A>G (p.Arg353Gly)

Gene: FLCN (folliculin; minus strand). Cytogenetic location: 17p11.2.
Variant type: single nucleotide variant.
Coding change: c.1057A>G on transcript NM_144997.7 (MANE Select); coding-DNA position 1057, A replaced by G.
Protein change: p.Arg353Gly; replaces arginine 353 with glycine.
Molecular consequence: missense variant.
Genome position (GRCh38, 1-based): chr17:17,219,024, T>C on the plus strand (A>G on the coding strand, the complement: FLCN is on the minus strand). VCF-style: chr17-17219024-T-C. GRCh37 (hg19) VCF-style: chr17-17122338-T-C.
Other names: c.1057A>G (NM_144997.5); c.1111A>G, p.Arg371Gly (NM_001353229.2); c.1057A>G, p.Arg353Gly (NM_001353230.2, NM_001353231.2); short protein forms R353G, R371G.
Identifiers: ClinVar variation 1389266 (VCV001389266.7), dbSNP rs2144893165, ClinGen allele CA398532618.

ClinVar aggregate classification (germline): Uncertain significance. Review status: criteria provided, multiple submitters, no conflicts (2 of 4 stars). 2 submissions from 2 submitters: Uncertain significance (2). Last evaluated 2024-05-02.

Conditions:
Hereditary cancer-predisposing syndrome. Also called: Hereditary neoplastic syndrome; Neoplastic Syndromes, Hereditary; Hereditary Cancer Syndrome; Tumor predisposition. Identifiers: Orphanet 140162, MedGen C0027672, MeSH D009386, MONDO:0015356.
Birt-Hogg-Dube syndrome. Also called: Birt Hogg Dubé syndrome. Identifiers: Orphanet 122, MedGen C0346010, MONDO:0800444.

Submissions (2):

Ambry Genetics
Classification: Uncertain significance for Hereditary cancer-predisposing syndrome. Last evaluated: 2024-05-02. Review status: criteria provided, single submitter. Criteria: Ambry Variant Classification Scheme 2023. Collection method: clinical testing. Allele origin: germline.
Comment: The p.R353G variant (also known as c.1057A>G), located in coding exon 6 of the FLCN gene, results from an A to G substitution at nucleotide position 1057. The arginine at codon 353 is replaced by glycine, an amino acid with dissimilar properties. This amino acid position is conserved. In addition, this alteration is predicted to be deleterious by in silico analysis. Based on the available evidence, the clinical significance of this variant remains unclear.

Labcorp Genetics (formerly Invitae), Labcorp
Classification: Uncertain significance for Birt-Hogg-Dube syndrome. Last evaluated: 2021-10-25. Review status: criteria provided, single submitter. Criteria: Invitae Variant Classification Sherloc (09022015). Collection method: clinical testing. Allele origin: germline.
Comment: In summary, the available evidence is currently insufficient to determine the role of this variant in disease. Therefore, it has been classified as a Variant of Uncertain Significance. Algorithms developed to predict the effect of missense changes on protein structure and function are either unavailable or do not agree on the potential impact of this missense change (SIFT: "Deleterious"; PolyPhen-2: "Benign"; Align-GVGD: "Class C0"). This variant has not been reported in the literature in individuals affected with FLCN-related conditions. This variant is not present in population databases (ExAC no frequency). This sequence change replaces arginine with glycine at codon 353 of the FLCN protein (p.Arg353Gly). The arginine residue is highly conserved and there is a moderate physicochemical difference between arginine and glycine.